The following is an entry in ClinVar:

ClinVar aggregate classification (germline): Likely benign (1 of 4 stars; one submission).

Conditions:
Breast-ovarian cancer, familial, susceptibility to, 1 (BROVCA1). Also called: OVARIAN CANCER, SUSCEPTIBILITY TO; BRCA1 Hereditary Breast and Ovarian Cancer. Identifiers: Orphanet 145, MedGen C2676676, MONDO:0011450, OMIM 604370. Disease mechanism: loss of function.

gnomAD v4.1: 1 of 1,614,190 alleles (0.000062%); highest among the groups gnomAD compares: Non-Finnish European, 0.000085%; no homozygotes.

Submission:

Cancer Bioinformatics and Tumour Evolution Laboratory, Monash University
Classification: Likely benign for Breast-ovarian cancer, familial, susceptibility to, 1. Last evaluated: 2026-05-01. Review status: criteria provided, single submitter. Criteria: ClinGen BRCA1 and BRCA2 Guidelines, 2024. Collection method: curation. Allele origin: germline. Inheritance: Autosomal dominant inheritance.
Comment: PMID: 39281752 - A large scale study to determine the case-control LR of BRCA1 and BRCA2 variants. The data was consolidated in the ccLR browser. This variant was found in the browser with a LR of 0.495782861 which is in the intermediate range according to the BRCA1 and BRCA2 VCEP. Hence, no evidence code applied. It is also a missense variant outside of a functional domain with no splice impact. BRCA1 and BRCA2 VCEP guidelines recommend application of BP1_Strong (PMID: 39142283)

Literature cited by the submitters: PubMed 39281752.

NM_007294.4(BRCA1):c.983G>C (p.Cys328Ser)

Gene: BRCA1 (BRCA1 DNA repair associated; minus strand). Cytogenetic location: 17q21.31.
Variant type: single nucleotide variant.
Coding change: c.983G>C on transcript NM_007294.4 (MANE Select); coding-DNA position 983, G replaced by C.
Protein change: p.Cys328Ser; replaces cysteine 328 with serine.
Molecular consequence: missense variant. On other transcripts: intron variant (137).
Genome position (GRCh38, 1-based): chr17:43,094,548, C>G on the plus strand (G>C on the coding strand, the complement: BRCA1 is on the minus strand). VCF-style: chr17-43094548-C-G. GRCh37 (hg19) VCF-style: chr17-41246565-C-G.
Other names: c.983G>C, p.Cys328Ser (NM_001407621.1, NM_001407622.1, NM_001407623.1 and 30 more transcripts); c.980G>C, p.Cys327Ser (NM_001407627.1, NM_001407628.1, NM_001407629.1 and 22 more transcripts); c.860G>C, p.Cys287Ser (NM_001407681.1, NM_001407682.1, NM_001407683.1 and 19 more transcripts); c.857G>C, p.Cys286Ser (NM_001407685.1, NM_001407686.1, NM_001407687.1 and 11 more transcripts); c.839G>C, p.Cys280Ser (NM_001407848.1, NM_001407849.1, NM_001407745.1 and 20 more transcripts); c.842G>C, p.Cys281Ser (NM_001407850.1, NM_001407851.1, NM_001407852.1 and 29 more transcripts); c.974G>C, p.Cys325Ser (NM_001407646.1, NM_001407647.1); c.770G>C, p.Cys257Ser (NM_001407853.1, NM_001407894.1, NM_001407895.1 and 9 more transcripts); and 40 more; short protein forms C160S, C200S, C201S, C216S, C217S, C239S, C240S, C257S.
Identifiers: ClinVar variation 4856548 (VCV004856548.1).